The following is an entry in ClinVar:

NM_025114.4(CEP290):c.31A>G (p.Met11Val)

Gene: CEP290 (centrosomal protein 290; minus strand). Cytogenetic location: 12q21.32.
Variant type: single nucleotide variant.
Coding change: c.31A>G on transcript NM_025114.4 (MANE Select); coding-DNA position 31, A replaced by G.
Protein change: p.Met11Val; replaces methionine 11 with valine.
Molecular consequence: missense variant.
Genome position (GRCh38, 1-based): chr12:88,141,277, T>C on the plus strand (A>G on the coding strand, the complement: CEP290 is on the minus strand). VCF-style: chr12-88141277-T-C. GRCh37 (hg19) VCF-style: chr12-88535054-T-C.
Other names: short protein forms M11V.
Identifiers: ClinVar variation 310633 (VCV000310633.19), dbSNP rs185939120, ClinGen allele CA6712929.

ClinVar aggregate classification (germline): Uncertain significance. Review status: criteria provided, multiple submitters, no conflicts (2 of 4 stars). 12 submissions from 8 submitters: Uncertain significance (11). 1 of the submissions does not count toward it. Last evaluated 2026-07-31.

Conditions:
CEP290-related disorder. Also called: CEP290-related disorders; CEP290-related condition. Identifiers: MedGen CN239314.
Joubert syndrome. Also called: Familial aplasia of the vermis; JOUBERT-BOLTSHAUSER SYNDROME. Identifiers: Orphanet 475, MedGen C5979921, MONDO:0018772.
Meckel-Gruber syndrome. Also called: DYSENCEPHALIA SPLANCHNOCYSTICA; GRUBER SYNDROME; Dysencephalia splachnocystica. Identifiers: Orphanet 564, MedGen C0265215, MONDO:0018921.
Nephronophthisis. Also called: Juvenile Nephronophthisis. Identifiers: Orphanet 655, MedGen C0687120, MONDO:0019005, HP:0000090.
Leber congenital amaurosis 10 (LCA10). Identifiers: Orphanet 65, MedGen C1857821, MONDO:0012723, OMIM 611755.
Bardet-Biedl syndrome 14 (BBS14). Identifiers: Orphanet 110, MedGen C2673874, MONDO:0014442, OMIM 615991.
Leber congenital amaurosis (LCA). Also called: Leber's amaurosis. Identifiers: Orphanet 65, MedGen C0339527, MeSH D057130, MONDO:0018998.
Meckel syndrome, type 4 (MKS4). Also called: MECKEL-GRUBER SYNDROME, TYPE 4. Identifiers: Orphanet 564, MedGen C1970161, MONDO:0012626, OMIM 611134.
Joubert syndrome 5 (JBTS5). Identifiers: Orphanet 2318, MedGen C1857780, MONDO:0012432, OMIM 610188.
Senior-Loken syndrome 6 (SLSN6). Identifiers: Orphanet 3156, MedGen C1857779, MONDO:0012433, OMIM 610189.

Allele frequency attached by ClinVar (database versions not stated): gnomAD exomes 0.00002 and 0.00008; ExAC 0.00006; gnomAD 0.00011 and 0.00012; 1000 Genomes Project 30x 0.00016; 1000 Genomes Project 0.00020; TOPMed 0.00023.

Submissions (12):

PreventionGenetics, part of Exact Sciences
Classification: Uncertain significance for CEP290-related condition. Last evaluated: 2026-07-31. Review status: criteria provided, single submitter. Criteria: ACMG Guidelines, 2015. Collection method: clinical testing. Allele origin: germline.
Comment: The CEP290 c.31A>G variant is predicted to result in the amino acid substitution p.Met11Val. This variant was reported in an American Indian cohort investigating the genetic variants that contribute to obesity in genes associated with Bardet–Biedl syndrome (Day et al. 2021. PubMed ID: 33616283). This variant is reported in 0.043% of alleles in individuals of Latino descent in gnomAD, including one homozygote. At this time, the clinical significance of this variant is uncertain due to the absence of conclusive functional and genetic evidence.

Labcorp Genetics (formerly Invitae), Labcorp
Classification: Uncertain significance for Joubert syndrome; Meckel-Gruber syndrome; Nephronophthisis. Last evaluated: 2026-01-02. Review status: criteria provided, single submitter. Criteria: Invitae Variant Classification Sherloc (09022015). Collection method: clinical testing. Allele origin: germline.
Comment: This sequence change replaces methionine, which is neutral and non-polar, with valine, which is neutral and non-polar, at codon 11 of the CEP290 protein (p.Met11Val). This variant is present in population databases (rs185939120, gnomAD 0.04%). This variant has not been reported in the literature in individuals affected with CEP290-related conditions. ClinVar contains an entry for this variant (Variation ID: 310633). Invitae Evidence Modeling of protein sequence and biophysical properties (such as structural, functional, and spatial information, amino acid conservation, physicochemical variation, residue mobility, and thermodynamic stability) indicates that this missense variant is not expected to disrupt CEP290 protein function with a negative predictive value of 80%. In summary, the available evidence is currently insufficient to determine the role of this variant in disease. Therefore, it has been classified as a Variant of Uncertain Significance.

Fulgent Genetics
Classification: Uncertain significance for Joubert syndrome 5; Senior-Loken syndrome 6; Meckel syndrome, type 4; Leber congenital amaurosis 10; Bardet-Biedl syndrome 14. Last evaluated: 2024-01-31. Review status: criteria provided, single submitter. Criteria: ACMG Guidelines, 2015. Collection method: clinical testing. Allele origin: germline.

Blueprint Genetics
Classification: Uncertain significance. Last evaluated: 2023-03-29. Review status: criteria provided, single submitter. Criteria: ACMG Guidelines, 2015. Collection method: clinical testing. Allele origin: germline.

GeneDx
Classification: Uncertain significance. Last evaluated: 2019-04-24. Review status: criteria provided, single submitter. Criteria: GeneDx Variant Classification Process June 2021. Collection method: clinical testing. Allele origin: germline. Affected: yes.
Comment: In silico analysis, which includes protein predictors and evolutionary conservation, supports that this variant does not alter protein structure/function; Has not been previously published as pathogenic or benign to our knowledge

Baylor Genetics
Classification: Uncertain significance for Bardet-Biedl syndrome 14. Last evaluated: 2018-04-10. Review status: criteria provided, single submitter. Criteria: ACMG Guidelines, 2015. Collection method: clinical testing. Allele origin: maternal. Affected: yes.
Comment: This variant was determined to be of uncertain significance according to ACMG Guidelines, 2015 [PMID:25741868].

Illumina Laboratory Services, Illumina
Classification: Uncertain significance for Bardet-Biedl syndrome 14. Last evaluated: 2018-01-13. Review status: criteria provided, single submitter. Criteria: ICSL Variant Classification Criteria 13 December 2019. Collection method: clinical testing. Allele origin: germline.

Illumina Laboratory Services, Illumina
Classification: Uncertain significance for Joubert syndrome 5. Last evaluated: 2018-01-13. Review status: criteria provided, single submitter. Criteria: ICSL Variant Classification Criteria 13 December 2019. Collection method: clinical testing. Allele origin: germline.

Illumina Laboratory Services, Illumina
Classification: Uncertain significance for Leber congenital amaurosis 10. Last evaluated: 2018-01-13. Review status: criteria provided, single submitter. Criteria: ICSL Variant Classification Criteria 13 December 2019. Collection method: clinical testing. Allele origin: germline.

Illumina Laboratory Services, Illumina
Classification: Uncertain significance for Senior-Loken syndrome 6. Last evaluated: 2018-01-13. Review status: criteria provided, single submitter. Criteria: ICSL Variant Classification Criteria 13 December 2019. Collection method: clinical testing. Allele origin: germline.

Illumina Laboratory Services, Illumina
Classification: Uncertain significance for Meckel syndrome, type 4. Last evaluated: 2018-01-13. Review status: criteria provided, single submitter. Criteria: ICSL Variant Classification Criteria 13 December 2019. Collection method: clinical testing. Allele origin: germline.

Natera, Inc.
Classification: Uncertain significance for Leber congenital amaurosis. Last evaluated: 2019-10-28. Review status: no assertion criteria provided. Collection method: clinical testing. Allele origin: germline. Not counted in ClinVar's aggregate classification.